The following is an entry in ClinVar:

ClinVar aggregate classification (germline): Likely pathogenic (1 of 4 stars; one submission).

Conditions:
Primary hyperoxaluria. Identifiers: Orphanet 416, MedGen C0020501, MONDO:0002474.

Submission:

Women's Health and Genetics/Laboratory Corporation of America, LabCorp
Classification: Likely pathogenic for Primary hyperoxaluria. Last evaluated: 2024-05-31. Review status: criteria provided, single submitter. Criteria: LabCorp Variant Classification Summary - May 2015. Collection method: clinical testing. Allele origin: germline.
Comment: Variant summary: AGXT c.245G>C (p.Gly82Ala) results in a non-conservative amino acid change located in the Aminotransferase class V domain (IPR000192) of the encoded protein sequence. Four of five in-silico tools predict a damaging effect of the variant on protein function. The variant was absent in 251218 control chromosomes. The available data on variant occurrences in the general population are insufficient to allow any conclusion about variant significance. To our knowledge, no occurrence of c.245G>C in individuals affected with Primary Hyperoxaluria Type 1 and no experimental evidence demonstrating its impact on protein function have been reported. Different variants affecting the same codon has been classified as pathogenic by our lab and/or in ClinVar (c.245G>A, p.Gly82Glu and c.244G>C, p.Gly82Arg), supporting the critical relevance of codon 82 to AGXT protein function. No submitters have cited clinical-significance assessments for this variant to ClinVar. Based on the evidence outlined above, the variant was classified as likely pathogenic.

NM_000030.3(AGXT):c.245G>C (p.Gly82Ala)

Gene: AGXT (alanine--glyoxylate aminotransferase; plus strand). Cytogenetic location: 2q37.3.
Variant type: single nucleotide variant.
Coding change: c.245G>C on transcript NM_000030.3 (MANE Select); coding-DNA position 245, G replaced by C.
Protein change: p.Gly82Ala; replaces glycine 82 with alanine.
Molecular consequence: missense variant.
Genome position (GRCh38, 1-based): chr2:240,869,249, G>C. VCF-style: chr2-240869249-G-C. GRCh37 (hg19) VCF-style: chr2-241808666-G-C.
Other names: short protein forms G82A.
Identifiers: ClinVar variation 3336473 (VCV003336473.1).